The following is an entry in ClinVar:

NM_177438.3(DICER1):c.3445A>G (p.Met1149Val)

Gene: DICER1 (dicer 1, ribonuclease III; minus strand). Cytogenetic location: 14q32.13.
Variant type: single nucleotide variant.
Coding change: c.3445A>G on transcript NM_177438.3 (MANE Select); coding-DNA position 3445, A replaced by G.
Protein change: p.Met1149Val; replaces methionine 1149 with valine.
Molecular consequence: missense variant. On other transcripts: non-coding transcript variant (6).
Genome position (GRCh38, 1-based): chr14:95,103,951, T>C on the plus strand (A>G on the coding strand, the complement: DICER1 is on the minus strand). VCF-style: chr14-95103951-T-C. GRCh37 (hg19) VCF-style: chr14-95570288-T-C.
Other names: c.3445A>G, p.Met1149Val (NM_001195573.1, NM_001271282.3, NM_001291628.2 and 13 more transcripts); c.3163A>G, p.Met1055Val (NM_001395686.1); c.3040A>G, p.Met1014Val (NM_001395687.1, NM_001395688.1, NM_001395689.1 and 2 more transcripts); c.2878A>G, p.Met960Val (NM_001395691.1); c.1762A>G, p.Met588Val (NM_001395697.1); short protein forms M1055V, M1149V, M1014V, M588V, M960V.
Identifiers: ClinVar variation 2810425 (VCV002810425.4), dbSNP rs2542713988, ClinGen allele CA390875403.

ClinVar aggregate classification (germline): Uncertain significance. Review status: criteria provided, multiple submitters, no conflicts (2 of 4 stars). 2 submissions from 2 submitters: Uncertain significance (2). Last evaluated 2026-01-14.

Conditions:
Hereditary cancer-predisposing syndrome. Also called: Tumor predisposition; Neoplastic Syndromes, Hereditary; Hereditary Cancer Syndrome; Hereditary neoplastic syndrome. Identifiers: Orphanet 140162, MedGen C0027672, MeSH D009386, MONDO:0015356.
DICER1-related tumor predisposition. Also called: DICER1-related pleuropulmonary blastoma cancer predisposition syndrome; DICER1 syndrome. Identifiers: Orphanet 284343, MedGen C3839822, MONDO:0100216.

Submissions (2):

Ambry Genetics
Classification: Uncertain significance for Hereditary cancer-predisposing syndrome. Last evaluated: 2026-01-14. Review status: criteria provided, single submitter. Criteria: Ambry Variant Classification Scheme 2023. Collection method: clinical testing. Allele origin: germline.
Comment: The p.M1149V variant (also known as c.3445A>G), located in coding exon 20 of the DICER1 gene, results from an A to G substitution at nucleotide position 3445. The methionine at codon 1149 is replaced by valine, an amino acid with highly similar properties. This amino acid position is conserved. In addition, this alteration is predicted to be tolerated by in silico analysis. Based on the available evidence, the clinical significance of this variant remains unclear.

Labcorp Genetics (formerly Invitae), Labcorp
Classification: Uncertain significance for DICER1-related tumor predisposition. Last evaluated: 2022-10-28. Review status: criteria provided, single submitter. Criteria: Invitae Variant Classification Sherloc (09022015). Collection method: clinical testing. Allele origin: germline.
Comment: This sequence change replaces methionine, which is neutral and non-polar, with valine, which is neutral and non-polar, at codon 1149 of the DICER1 protein (p.Met1149Val). In summary, the available evidence is currently insufficient to determine the role of this variant in disease. Therefore, it has been classified as a Variant of Uncertain Significance. Advanced modeling of protein sequence and biophysical properties (such as structural, functional, and spatial information, amino acid conservation, physicochemical variation, residue mobility, and thermodynamic stability) performed at Invitae indicates that this missense variant is not expected to disrupt DICER1 protein function. This variant has not been reported in the literature in individuals affected with DICER1-related conditions. This variant is not present in population databases (gnomAD no frequency).